The following is an entry in ClinVar:

NM_000601.6(HGF):c.503G>T (p.Arg168Leu)

Gene: HGF (hepatocyte growth factor; minus strand). Cytogenetic location: 7q21.11.
Variant type: single nucleotide variant.
Coding change: c.503G>T on transcript NM_000601.6 (MANE Select); coding-DNA position 503, G replaced by T.
Protein change: p.Arg168Leu; replaces arginine 168 with leucine.
Molecular consequence: missense variant.
Genome position (GRCh38, 1-based): chr7:81,752,242, C>A on the plus strand (G>T on the coding strand, the complement: HGF is on the minus strand). VCF-style: chr7-81752242-C-A. GRCh37 (hg19) VCF-style: chr7-81381558-C-A.
Other names: c.503G>T, p.Arg168Leu (NM_001010931.3, NM_001010934.3); c.488G>T, p.Arg163Leu (NM_001010932.3, NM_001010933.3); short protein forms R168L, R163L.
Identifiers: ClinVar variation 3709054 (VCV003709054.2).

ClinVar aggregate classification (germline): Uncertain significance (1 of 4 stars; one submission).

gnomAD v4.1: 2 of 1,613,208 alleles (0.00012%); highest among the groups gnomAD compares: African/African-American, 0.0027%; no homozygotes.

Submission:

Labcorp Genetics (formerly Invitae), Labcorp
Classification: Uncertain significance. Last evaluated: 2024-12-23. Review status: criteria provided, single submitter. Criteria: Invitae Variant Classification Sherloc (09022015). Collection method: clinical testing. Allele origin: germline.
Comment: This sequence change replaces arginine, which is basic and polar, with leucine, which is neutral and non-polar, at codon 168 of the HGF protein (p.Arg168Leu). This variant is not present in population databases (gnomAD no frequency). This variant has not been reported in the literature in individuals affected with HGF-related conditions. An algorithm developed to predict the effect of missense changes on protein structure and function (PolyPhen-2) suggests that this variant is likely to be disruptive. In summary, the available evidence is currently insufficient to determine the role of this variant in disease. Therefore, it has been classified as a Variant of Uncertain Significance.